The following is an entry in ClinVar:

NM_004329.3(BMPR1A):c.1533A>T (p.Arg511Ser)

Gene: BMPR1A (bone morphogenetic protein receptor type 1A; plus strand). Cytogenetic location: 10q23.2.
Variant type: single nucleotide variant.
Coding change: c.1533A>T on transcript NM_004329.3 (MANE Select); coding-DNA position 1533, A replaced by T.
Protein change: p.Arg511Ser; replaces arginine 511 with serine.
Molecular consequence: missense variant. On other transcripts: non-coding transcript variant (3).
Genome position (GRCh38, 1-based): chr10:86,923,653, A>T. VCF-style: chr10-86923653-A-T. GRCh37 (hg19) VCF-style: chr10-88683410-A-T.
Other names: c.1608A>T, p.Arg536Ser (NM_001406559.1); c.1581A>T, p.Arg527Ser (NM_001406560.1); c.1533A>T, p.Arg511Ser (NM_001406561.1, NM_001406562.1, NM_001406563.1 and 19 more transcripts); c.1527A>T, p.Arg509Ser (NM_001406583.1); c.1449A>T, p.Arg483Ser (NM_001406584.1, NM_001406585.1, NM_001406586.1 and 2 more transcripts); c.1191A>T, p.Arg397Ser (NM_001406589.1); short protein forms R536S, R483S, R511S, R397S, R527S, R509S.
Identifiers: ClinVar variation 2850867 (VCV002850867.3), dbSNP rs730881437, ClinGen allele CA377463867.
Genomic context (GRCh38, chr10:86,923,653, plus strand): 5'-GTGTCTACGAGCAGTTTTGAAGCTAATGTCAGAATGCTGGGCCCACAATCCAGCCTCCAG[A>T]CTCACAGCATTGAGAATTAAGAAGACGCTTGCCAAGATGGTTGAATCCCAAGATGTAAAA-3'
Protein context (NP_004320.2, residues 501-521): SECWAHNPAS[Arg511Ser]LTALRIKKTL

ClinVar aggregate classification (germline): Uncertain significance (1 of 4 stars; one submission).

Conditions:
Juvenile polyposis syndrome (JPS). Identifiers: Orphanet 2929, MedGen C0345893, MONDO:0017380, OMIM 174900.

Submission:

Labcorp Genetics (formerly Invitae), Labcorp
Classification: Uncertain significance for Juvenile polyposis syndrome. Last evaluated: 2023-03-30. Review status: criteria provided, single submitter. Criteria: Invitae Variant Classification Sherloc (09022015). Collection method: clinical testing. Allele origin: germline.
Comment: Advanced modeling of protein sequence and biophysical properties (such as structural, functional, and spatial information, amino acid conservation, physicochemical variation, residue mobility, and thermodynamic stability) performed at Invitae indicates that this missense variant is expected to disrupt BMPR1A protein function. In summary, the available evidence is currently insufficient to determine the role of this variant in disease. Therefore, it has been classified as a Variant of Uncertain Significance. This variant has not been reported in the literature in individuals affected with BMPR1A-related conditions. This variant is not present in population databases (gnomAD no frequency). This sequence change replaces arginine, which is basic and polar, with serine, which is neutral and polar, at codon 511 of the BMPR1A protein (p.Arg511Ser).